The following is an entry in ClinVar:

ClinVar aggregate classification (germline): Uncertain significance. Review status: criteria provided, multiple submitters, no conflicts (2 of 4 stars). 2 submissions from 2 submitters: Uncertain significance (2). Last evaluated 2023-08-04.

Submissions (2):

Blueprint Genetics
Classification: Uncertain significance. Last evaluated: 2023-08-04. Review status: criteria provided, single submitter. Criteria: ACMG Guidelines, 2015. Collection method: clinical testing. Allele origin: germline.

GeneDx
Classification: Uncertain significance. Last evaluated: 2023-05-21. Review status: criteria provided, single submitter. Criteria: GeneDx Variant Classification Process June 2021. Collection method: clinical testing. Allele origin: germline. Affected: yes.
Comment: Not observed at significant frequency in large population cohorts (gnomAD); In silico analysis supports that this missense variant has a deleterious effect on protein structure/function; Has not been previously published as pathogenic or benign to our knowledge

NM_181552.4(CUX1):c.3446T>G (p.Phe1149Cys)

Gene: CUX1 (cut like homeobox 1; plus strand). Cytogenetic location: 7q22.1.
Variant type: single nucleotide variant.
Coding change: c.3446T>G on transcript NM_181552.4 (MANE Select); coding-DNA position 3446, T replaced by G.
Protein change: p.Phe1149Cys; replaces phenylalanine 1149 with cysteine.
Molecular consequence: missense variant. On other transcripts: intron variant (5).
Genome position (GRCh38, 1-based): chr7:102,234,064, T>G. VCF-style: chr7-102234064-T-G. GRCh37 (hg19) VCF-style: chr7-101877344-T-G.
Other names: c.3479T>G, p.Phe1160Cys (NM_001202543.2); c.1255+38461T>G (NM_001913.5); c.1249+38461T>G (NM_181500.4); c.1117+38461T>G (NM_001202545.3); c.1207+38461T>G (NM_001202544.3); c.1138+38461T>G (NM_001202546.3); short protein forms F1149C, F1160C.
Identifiers: ClinVar variation 3343817 (VCV003343817.2).
Genomic context (GRCh38, chr7:102,234,064, plus strand): 5'-CCCTGGCTCTCGGTGACAATACCTGTCTTGCTTCTGTTTTCTCTCTAGGCCAGCGCTTAT[T>G]TGGGGAGACCATCTTAGGGCTCACCCAAGGCTCTGTCTCTGACCTCCTTGCCCGCCCCAA-3'
Protein context (NP_853530.2, residues 1139-1159): LTDNNLGQRL[Phe1149Cys]GETILGLTQG